The following is an entry in ClinVar:

ClinVar aggregate classification (germline): Uncertain significance. Review status: criteria provided, multiple submitters, no conflicts (2 of 4 stars). 6 submissions from 6 submitters: Uncertain significance (6). Last evaluated 2025-12-29.

Conditions:
Heterotopia, periventricular, X-linked dominant (PVNH1). Also called: PERIVENTRICULAR NODULAR HETEROTOPIA 1; PERIVENTRICULAR NODULAR HETEROTOPIA 4; HETEROTOPIA, PERIVENTRICULAR, 1; X-linked periventricular heterotopia. Identifiers: Orphanet 2149, Orphanet 82004, MedGen C1848213, MONDO:0010233, OMIM 300049.
Frontometaphyseal dysplasia (FMD1). Identifiers: Orphanet 1826, MedGen C0265293, MONDO:0015942.
Melnick-Needles syndrome (MNS). Also called: Melnick-Needles Syndrome (FLNA-MNS); MELNICK-NEEDLES OSTEODYSPLASTY; OSTEODYSPLASTY OF MELNICK AND NEEDLES. Identifiers: Orphanet 2484, MedGen C0025237, MONDO:0010650, OMIM 309350.
Oto-palato-digital syndrome, type II (OPD2). Also called: Otopalatodigital Syndrome Type 2 (FLNA-OPD2); Otopalatodigital Syndrome, Type II; FACIOPALATOOSSEOUS SYNDROME; OPD II SYNDROME. Identifiers: Orphanet 669, Orphanet 90652, MedGen C1844696, MONDO:0010571, OMIM 304120.
Cardiac valvular dysplasia, X-linked (CVDPX). Also called: Isolated X-Linked Cardiac Valvular Dysplasia; Congenital valvular dysplasia; FLNA-Related X-linked Cardiac Valvular Dysplasia; MYXOMATOUS VALVULAR DYSTROPHY, X-LINKED; VALVULAR HEART DISEASE, CONGENITAL. Identifiers: Orphanet 1864, Orphanet 555877, Orphanet 75497, MedGen C0262436, MONDO:0010753, OMIM 314400.
Intestinal pseudoobstruction, neuronal, chronic idiopathic, X-linked (CIIPX). Also called: FLNA-Related Periventricular Nodular Heterotopia (FLNA-Related PVNH; Huttenlocher Syndrome); CONGENITAL IDIOPATHIC INTESTINAL PSEUDOOBSTRUCTION; INTESTINAL PSEUDOOBSTRUCTION, NEURONAL, CHRONIC IDIOPATHIC, WITH CENTRAL NERVOUS SYSTEM INVOLVEMENT. Identifiers: Orphanet 2301, MedGen C2746068, MONDO:0010232, OMIM 300048.
FG syndrome 2 (FGS2). Identifiers: MedGen C1845902, MONDO:0010297, OMIM 300321.
Oto-palato-digital syndrome, type I (OPD1). Also called: Otopalatodigital Syndrome Type 1 (FLNA-OPD1); Taybi syndrome; Otopalatodigital Syndrome, Type I; OPD I SYNDROME; OPD SYNDROME 1. Identifiers: Orphanet 669, Orphanet 90650, MedGen C0265251, MONDO:0010704, OMIM 311300.
Terminal osseous dysplasia-pigmentary defects syndrome. Also called: ODPD; TERMINAL OSSEOUS DYSPLASIA AND PIGMENTARY DEFECTS; Terminal Osseous Dysplasia (FLNA-TOD); ODPF SYNDROME; OSSEOUS DYSPLASIA, DIGITAL, WITH FACIAL PIGMENTARY DEFECTS AND MULTIPLE FRENULA. Identifiers: Orphanet 88630, MedGen C1846129, MONDO:0010279, OMIM 300244.
Frontometaphyseal dysplasia 1 (FMD1). Also called: Frontometaphyseal Dysplasia (FLNA-FMD). Identifiers: Orphanet 1826, MedGen C4281559, MONDO:0024550, OMIM 305620.

Allele frequency attached by ClinVar (database versions not stated): gnomAD 0.00001; TOPMed 0.00001.
gnomAD v4.1: 9 of 1,209,448 alleles (0.00074%); highest among the groups gnomAD compares: Non-Finnish European, 0.001%; no homozygotes.

Submissions (6):

Labcorp Genetics (formerly Invitae), Labcorp
Classification: Uncertain significance for Oto-palato-digital syndrome, type II; Heterotopia, periventricular, X-linked dominant; Frontometaphyseal dysplasia; Melnick-Needles syndrome. Last evaluated: 2025-12-29. Review status: criteria provided, single submitter. Criteria: Invitae Variant Classification Sherloc (09022015). Collection method: clinical testing. Allele origin: germline.
Comment: This sequence change falls in intron 26 of the FLNA gene. It does not directly change the encoded amino acid sequence of the FLNA protein. It affects a nucleotide within the consensus splice site. This variant is not present in population databases (gnomAD no frequency). This variant has not been reported in the literature in individuals affected with FLNA-related conditions. ClinVar contains an entry for this variant (Variation ID: 498636). Variants that disrupt the consensus splice site are a relatively common cause of aberrant splicing (PMID: 17576681, 9536098). Algorithms developed to predict the effect of sequence changes on RNA splicing suggest that this variant may disrupt the consensus splice site. In summary, the available evidence is currently insufficient to determine the role of this variant in disease. Therefore, it has been classified as a Variant of Uncertain Significance.

Women's Health and Genetics/Laboratory Corporation of America, LabCorp
Classification: Uncertain significance. Last evaluated: 2024-06-17. Review status: criteria provided, single submitter. Criteria: LabCorp Variant Classification Summary - May 2015. Collection method: clinical testing. Allele origin: germline.

GeneDx
Classification: Uncertain significance. Last evaluated: 2022-12-30. Review status: criteria provided, single submitter. Criteria: GeneDx Variant Classification Process June 2021. Collection method: clinical testing. Allele origin: germline. Affected: yes.
Comment: Not observed at significant frequency in large population cohorts (gnomAD); In silico analysis supports that this variant does not alter splicing; Has not been previously published as pathogenic or benign to our knowledge

Blueprint Genetics
Classification: Uncertain significance. Last evaluated: 2020-03-18. Review status: criteria provided, single submitter. Criteria: ACMG Guidelines, 2015. Collection method: clinical testing. Allele origin: germline.

Eurofins Ntd Llc (ga)
Classification: Uncertain significance. Last evaluated: 2016-12-21. Review status: criteria provided, single submitter. Criteria: EGL Classification Definitions 2015. Collection method: clinical testing. Allele origin: germline. Observed: 1 variant allele, 1 hemizygote.

Center for Genomics, Ann and Robert H. Lurie Children's Hospital of Chicago
Classification: Uncertain significance for Oto-palato-digital syndrome, type II; Intestinal pseudoobstruction, neuronal, chronic idiopathic, X-linked; Cardiac valvular dysplasia, X-linked; FG syndrome 2; Melnick-Needles syndrome; Terminal osseous dysplasia-pigmentary defects syndrome; Oto-palato-digital syndrome, type I; Heterotopia, periventricular, X-linked dominant; Frontometaphyseal dysplasia 1. Review status: criteria provided, single submitter. Criteria: ACMG Guidelines, 2015. Collection method: clinical testing. Allele origin: germline.
Comment: This variant has not been reported in the literature. It is present in a single heterozygote in gnomAD (Highest reported MAF: 0.002 [1/53247]). It is also present in ClinVar (Variation ID: 498636). Splice prediction tools weakly suggest that this variant may affect splicing; however, further studies are needed to understand its impact. In summary, data on this variant is insufficient for disease classification. Therefore, the clinical significance of this variant is uncertain.

Literature cited by the submitters: PubMed 17576681 (cited by Labcorp Genetics (formerly Invitae), Labcorp); PubMed 9536098 (cited by Labcorp Genetics (formerly Invitae), Labcorp).

NM_001110556.2(FLNA):c.4474+3G>T

Gene: FLNA (filamin A; minus strand). Cytogenetic location: Xq28.
Variant type: single nucleotide variant.
Coding change: c.4474+3G>T on transcript NM_001110556.2 (MANE Select); 3 bases into the intron after coding-DNA position 4474, G replaced by T.
Molecular consequence: intron variant.
Genome position (GRCh38, 1-based): chrX:154,358,981, C>A on the plus strand (G>T on the coding strand, the complement: FLNA is on the minus strand). VCF-style: chrX-154358981-C-A. GRCh37 (hg19) VCF-style: chrX-153587349-C-A.
Other names: c.4474+3G>T (NM_001456.4).
Identifiers: ClinVar variation 498636 (VCV000498636.15), dbSNP rs1286863443, ClinGen allele CA658799919.